The following is an entry in ClinVar:

NM_206538.4(EMC10):c.679-272G>T

Gene: EMC10 (ER membrane protein complex subunit 10; plus strand). Cytogenetic location: 19q13.33.
Variant type: single nucleotide variant.
Coding change: c.679-272G>T on transcript NM_206538.4 (MANE Select); 272 bases into the intron before coding-DNA position 679, G replaced by T.
Molecular consequence: intron variant. On other transcripts: missense variant (1).
Genome position (GRCh38, 1-based): chr19:50,481,877, G>T. VCF-style: chr19-50481877-G-T. GRCh37 (hg19) VCF-style: chr19-50985134-G-T.
Other names: c.695G>T, p.Gly232Val (NM_175063.6); short protein forms G232V.
Identifiers: ClinVar variation 4531159 (VCV004531159.1).

ClinVar aggregate classification (germline): Uncertain significance (1 of 4 stars; one submission).

gnomAD v4.1: 2 of 1,588,270 alleles (0.00013%); highest among the groups gnomAD compares: African/African-American, 0.0027%; no homozygotes.

Submission:

GeneDx
Classification: Uncertain significance. Last evaluated: 2025-05-20. Review status: criteria provided, single submitter. Criteria: GeneDx Variant Classification Process June 2021. Collection method: clinical testing. Allele origin: germline. Affected: yes.
Comment: Not observed at significant frequency in large population cohorts (gnomAD); In silico analysis suggests that this missense variant does not alter protein structure/function; Has not been previously published as pathogenic or benign to our knowledge